The following is an entry in ClinVar:

NM_138459.5(NUS1):c.692-1G>C

Gene: NUS1 (NUS1 dehydrodolichyl diphosphate synthase subunit; plus strand). Cytogenetic location: 6q22.1.
Variant type: single nucleotide variant.
Coding change: c.692-1G>C on transcript NM_138459.5 (MANE Select); the canonical splice acceptor site of the intron before coding-DNA position 692, G replaced by C.
Molecular consequence: splice acceptor variant.
Genome position (GRCh38, 1-based): chr6:117,703,604, G>C. VCF-style: chr6-117703604-G-C. GRCh37 (hg19) VCF-style: chr6-118024767-G-C.
Identifiers: ClinVar variation 3723608 (VCV003723608.2).

ClinVar aggregate classification (germline): Pathogenic (1 of 4 stars; one submission).

Conditions:
Congenital disorder of glycosylation, type Iaa. Also called: Congenital disorder of glycosylation, type 1aa. Identifiers: MedGen C4310727, MONDO:0014904, OMIM 617082.

Submission:

Labcorp Genetics (formerly Invitae), Labcorp
Classification: Pathogenic for Congenital disorder of glycosylation, type Iaa. Last evaluated: 2024-10-28. Review status: criteria provided, single submitter. Criteria: Invitae Variant Classification Sherloc (09022015). Collection method: clinical testing. Allele origin: germline.
Comment: This sequence change affects an acceptor splice site in intron 3 of the NUS1 gene. It is expected to disrupt RNA splicing. Variants that disrupt the donor or acceptor splice site typically lead to a loss of protein function (PMID: 16199547), and loss-of-function variants in NUS1 are known to be pathogenic (PMID: 29100083). This variant is not present in population databases (gnomAD no frequency). Disruption of this splice site has been observed in individuals with developmental and epileptic encephalopathy (PMID: 33111323; internal observation). Algorithms developed to predict the effect of sequence changes on RNA splicing suggest that this variant may disrupt the consensus splice site. For these reasons, this variant has been classified as Pathogenic.

Literature cited by the submitters: PubMed 16199547; PubMed 29100083; PubMed 33111323.